The following is an entry in ClinVar:

NM_003998.4(NFKB1):c.2140del (p.Asp714fs)

Gene: NFKB1 (nuclear factor kappa B subunit 1; plus strand). Cytogenetic location: 4q24.
Variant type: Deletion.
Coding change: c.2140del on transcript NM_003998.4 (MANE Select); coding-DNA position 2140, one base deleted (G; older notation c.2140delG).
Protein change: p.Asp714fs; shifts the reading frame from aspartic acid 714.
Molecular consequence: frameshift variant.
Genome position (GRCh38, 1-based): chr4:102,607,664, G deleted; the last of 2 consecutive G bases (chr4:102,607,663-102,607,664); deleting either gives the same sequence. VCF-style (leftmost placement, unchanged base first): chr4-102607662-TG-T. GRCh37 (hg19) VCF-style: chr4-103528819-TG-T.
Other names: c.2137del, p.Asp713fs (NM_001165412.2, NM_001319226.2, NM_001382627.1); c.2140del, p.Asp714fs (NM_001382625.1, NM_001382626.1); c.2098del, p.Asp700fs (NM_001382628.1); short protein forms D700fs, D713fs, D714fs.
Identifiers: ClinVar variation 2088805 (VCV002088805.4), dbSNP rs2476546480, ClinGen allele CA2580071283.
Genomic context (GRCh38, chr4:102,607,662, plus strand): 5'-GCAAAAGAACCTTCCACTAACGCTTTCTTGTGTGGGCTGGATTGTAGGGTGATGCCCATG[TG>T]GACAGTACTACCTACGATGGAACCACACCCCTGCATATAGCAGCTGGGAGAGGGTCCACC-3'

ClinVar aggregate classification (germline): Pathogenic (1 of 4 stars; one submission).

Submission:

Labcorp Genetics (formerly Invitae), Labcorp
Classification: Pathogenic. Last evaluated: 2022-01-21. Review status: criteria provided, single submitter. Criteria: Invitae Variant Classification Sherloc (09022015). Collection method: clinical testing. Allele origin: germline.
Comment: For these reasons, this variant has been classified as Pathogenic. This variant has not been reported in the literature in individuals affected with NFKB1-related conditions. This variant is not present in population databases (gnomAD no frequency). This sequence change creates a premature translational stop signal (p.Asp714Thrfs*13) in the NFKB1 gene. It is expected to result in an absent or disrupted protein product. Loss-of-function variants in NFKB1 are known to be pathogenic (PMID: 26279205, 29477724).

Literature cited by the submitters: PubMed 26279205; PubMed 29477724.